The following is an entry in ClinVar:

NM_024996.7(GFM1):c.844del (p.Ala282fs)

Gene: GFM1 (G elongation factor mitochondrial 1; plus strand). Cytogenetic location: 3q25.32.
Variant type: Deletion.
Coding change: c.844del on transcript NM_024996.7 (MANE Select); coding-DNA position 844, one base deleted (G; older notation c.844delG).
Protein change: p.Ala282fs; shifts the reading frame from alanine 282.
Molecular consequence: frameshift variant. On other transcripts: non-coding transcript variant (3).
Genome position (GRCh38, 1-based): chr3:158,653,313, G deleted. VCF-style (leftmost placement, unchanged base first): chr3-158653312-AG-A. GRCh37 (hg19) VCF-style: chr3-158371101-AG-A.
Other names: c.901del, p.Ala301fs (NM_001308164.2, NM_001374355.1); c.844del, p.Ala282fs (NM_001308166.2); c.727del, p.Ala243fs (NM_001374356.1); c.619del, p.Ala207fs (NM_001374357.1); c.385del, p.Ala129fs (NM_001374358.1); c.277del, p.Ala93fs (NM_001374359.1, NM_001374360.1); c.160del, p.Ala54fs (NM_001374361.1); short protein forms A93fs, A243fs, A282fs, A301fs, A54fs, A129fs, A207fs.
Identifiers: ClinVar variation 4992356 (VCV004992356.1).

ClinVar aggregate classification (germline): Likely pathogenic (1 of 4 stars; one submission).

Conditions:
GFM1-related disorder. Also called: GFM1-related condition.

Submission:

PreventionGenetics, part of Exact Sciences
Classification: Likely pathogenic for GFM1-related condition. Last evaluated: 2026-06-27. Review status: criteria provided, single submitter. Criteria: ACMG Guidelines, 2015. Collection method: clinical testing. Allele origin: germline.
Comment: The GFM1 c.901delG variant is predicted to result in a frameshift and premature protein termination (p.Ala301Glnfs*7). To our knowledge, this variant has not been reported in the literature or in a large population database (gnomAD), indicating this variant is rare. Frameshift variants in GFM1 are expected to be pathogenic. This variant is interpreted as likely pathogenic.